The following is an entry in ClinVar:

NM_021254.4(CFAP298):c.803C>T (p.Pro268Leu)

Genes: CFAP298 (cilia and flagella associated protein 298; minus strand), CFAP298-TCP10L (CFAP298-TCP10L readthrough; minus strand). Cytogenetic location: 21q22.11.
Variant type: single nucleotide variant.
Coding change: c.803C>T on transcript NM_021254.4 (MANE Select); coding-DNA position 803, C replaced by T.
Protein change: p.Pro268Leu; replaces proline 268 with leucine.
Molecular consequence: missense variant. On other transcripts: 3 prime UTR variant (2), intron variant (1).
Genome position (GRCh38, 1-based): chr21:32,601,933, G>A on the plus strand (C>T on the coding strand, the complement: CFAP298 is on the minus strand). VCF-style: chr21-32601933-G-A. GRCh37 (hg19) VCF-style: chr21-33974243-G-A.
Other names: c.506C>T, p.Pro169Leu (NM_001350334.2); c.*1156C>T (NM_001350335.2); c.707C>T, p.Pro236Leu (NM_001350336.2); c.*291C>T (NM_001350337.2); c.666+1228C>T (NM_001350338.2); short protein forms P236L, P268L, P169L.
Identifiers: ClinVar variation 861049 (VCV000861049.10), dbSNP rs532157103, ClinGen allele CA10002702.

ClinVar aggregate classification (germline): Uncertain significance (1 of 4 stars; one submission).

Allele frequency attached by ClinVar (database versions not stated): ExAC 0.00002; gnomAD exomes 0.00002; gnomAD 0.00014 and 0.00016; 1000 Genomes Project 30x 0.00016; 1000 Genomes Project 0.00020; TOPMed 0.00047.
gnomAD v4.1: 42 of 1,612,526 alleles (0.0026%); highest among the groups gnomAD compares: Admixed American, 0.047%; no homozygotes.

Submission:

Labcorp Genetics (formerly Invitae), Labcorp
Classification: Uncertain significance. Last evaluated: 2026-01-27. Review status: criteria provided, single submitter. Criteria: Invitae Variant Classification Sherloc (09022015). Collection method: clinical testing. Allele origin: germline.
Comment: This sequence change replaces proline, which is neutral and non-polar, with leucine, which is neutral and non-polar, at codon 268 of the CFAP298 protein (p.Pro268Leu). This variant is present in population databases (rs532157103, gnomAD 0.01%). This variant has not been reported in the literature in individuals affected with CFAP298-related conditions. ClinVar contains an entry for this variant (Variation ID: 861049). An algorithm developed to predict the effect of missense changes on protein structure and function (PolyPhen-2) suggests that this variant is likely to be tolerated. In summary, the available evidence is currently insufficient to determine the role of this variant in disease. Therefore, it has been classified as a Variant of Uncertain Significance.